The following is an entry in ClinVar:

NM_001040108.2(MLH3):c.4242+13C>G

Gene: MLH3 (mutL homolog 3; minus strand). Cytogenetic location: 14q24.3.
Variant type: single nucleotide variant.
Coding change: c.4242+13C>G on transcript NM_001040108.2 (MANE Select); 13 bases into the intron after coding-DNA position 4242, C replaced by G.
Molecular consequence: intron variant.
Genome position (GRCh38, 1-based): chr14:75,018,816, G>C on the plus strand (C>G on the coding strand, the complement: MLH3 is on the minus strand). VCF-style: chr14-75018816-G-C. GRCh37 (hg19) VCF-style: chr14-75485519-G-C.
Other names: c.4170+13C>G (NM_014381.3).
Identifiers: ClinVar variation 314370 (VCV000314370.27), dbSNP rs77157930, ClinGen allele CA7275196.

ClinVar aggregate classification (germline): Benign/Likely benign. Review status: criteria provided, multiple submitters, no conflicts (2 of 4 stars). 9 submissions from 8 submitters: Benign (4); Likely benign (3). 2 of the submissions do not count toward it. Last evaluated 2026-02-04.

Conditions:
Endometrial carcinoma. Also called: Endometrial carcinoma, somatic. Identifiers: MedGen C0476089, MONDO:0002447, OMIM 608089, HP:0012114.
Colorectal cancer, hereditary nonpolyposis, type 7. Identifiers: Orphanet 144, MedGen C1858380, MONDO:0013725, OMIM 614385.

Allele frequency attached by ClinVar (database versions not stated): gnomAD 0.01890 and 0.01924; TOPMed 0.01989; ESP Exome Variant Server 0.02014; 1000 Genomes Project 0.02536; 1000 Genomes Project 30x 0.02561.
gnomAD v4.1: 18,563 of 1,613,778 alleles (1.2%); highest among the groups gnomAD compares: African/African-American, 4.6%; 215 homozygotes.

Submissions (9):

Labcorp Genetics (formerly Invitae), Labcorp
Classification: Benign for Colorectal cancer, hereditary nonpolyposis, type 7. Last evaluated: 2026-02-04. Review status: criteria provided, single submitter. Criteria: Invitae Variant Classification Sherloc (09022015). Collection method: clinical testing. Allele origin: germline.

ARUP Laboratories, Molecular Genetics and Genomics, ARUP Laboratories
Classification: Benign. Last evaluated: 2025-03-04. Review status: criteria provided, single submitter. Criteria: ARUP Molecular Germline Variant Investigation Process 2024. Collection method: clinical testing. Allele origin: germline.

Center for Genomic Medicine, Rigshospitalet, Copenhagen University Hospital
Classification: Benign. Last evaluated: 2025-03-04. Review status: criteria provided, single submitter. Criteria: ACMG Guidelines, 2015. Collection method: clinical testing. Allele origin: germline.

KCCC/NGS Laboratory, Kuwait Cancer Control Center
Classification: Benign for Endometrial carcinoma. Last evaluated: 2025-02-01. Review status: criteria provided, single submitter. Criteria: ACMG Guidelines, 2015. Collection method: clinical testing. Allele origin: germline. Affected: no.

KCCC/NGS Laboratory, Kuwait Cancer Control Center
Classification: Likely benign for Colorectal cancer, hereditary nonpolyposis, type 7. Last evaluated: 2023-07-07. Review status: criteria provided, single submitter. Criteria: ACMG Guidelines, 2015. Collection method: clinical testing. Allele origin: germline. Affected: yes.

Illumina Laboratory Services, Illumina
Classification: Likely benign for Colorectal cancer, hereditary nonpolyposis, type 7. Last evaluated: 2018-01-13. Review status: criteria provided, single submitter. Criteria: ICSL Variant Classification Criteria 13 December 2019. Collection method: clinical testing. Allele origin: germline.
Comment: This variant was observed in the ICSL laboratory as part of a predisposition screen in an ostensibly healthy population. It had not been previously curated by ICSL or reported in the Human Gene Mutation Database (HGMD: prior to June 1st, 2018), and was therefore a candidate for classification through an automated scoring system. Utilizing variant allele frequency, disease prevalence and penetrance estimates, and inheritance mode, an automated score was calculated to assess if this variant is too frequent to cause the disease. Based on the score and internal cut-off values, a variant classified as likely benign is not then subjected to further curation. The score for this variant resulted in a classification of likely benign for this disease.

Breakthrough Genomics
Classification: Likely benign. Review status: criteria provided, single submitter. Criteria: ACMG Guidelines, 2015. Collection method: not provided. Allele origin: germline. Inheritance: Autosomal dominant inheritance. Affected: yes.

Department of Pathology and Laboratory Medicine, Sinai Health System
Classification: Benign. Review status: no assertion criteria provided. Collection method: clinical testing. Allele origin: unknown. Affected: yes. Study: The Canadian Open Genetics Repository (COGR). Not counted in ClinVar's aggregate classification.
Comment: The MLH3 c.4170+13C>G variant was not identified in the literature nor was it identified in Cosmic. The variant was identified in dbSNP (ID: rs77157930), ClinVar (classified as likely benign by Illumina and Mayo Clinic Genetic Testing Laboratories) and LOVD 3.0 (classified as a VUS and benign). The variant was identified in control databases in 3858 of 282748 chromosomes (59 homozygous) at a frequency of 0.013645 increasing the likelihood this could be a low frequency benign variant (Genome Aggregation Database Feb 27, 2017). The variant was observed in the following populations: African in 1115 of 24960 chromosomes (freq: 0.04467), South Asian in 1148 of 30616 chromosomes (freq: 0.0375), Other in 88 of 7224 chromosomes (freq: 0.01218), East Asian in 241 of 19954 chromosomes (freq: 0.01208), European (non-Finnish) in 959 of 129070 chromosomes (freq: 0.00743), Latino in 248 of 35438 chromosomes (freq: 0.006998), Ashkenazi Jewish in 22 of 10368 chromosomes (freq: 0.002122), and European (Finnish) in 37 of 25118 chromosomes (freq: 0.001473). The c.4170+13C>G variant is not expected to have clinical significance because it does not result in a change of amino acid and is not located in a known consensus splice site. In addition, only two of four in silico or computational prediction software programs (SpliceSiteFinder, MaxEntScan, NNSPLICE, GeneSplicer) predict a greater than 10% difference in splicing; this is not very predictive of pathogenicity. In summary, based on the above information this variant meets our laboratory's criteria to be classified as benign.

Mayo Clinic Laboratories, Mayo Clinic
Classification: Likely benign. Review status: no assertion criteria provided. Collection method: clinical testing. Allele origin: unknown. Not counted in ClinVar's aggregate classification.